The following is an entry in ClinVar:

ClinVar aggregate classification (germline): Pathogenic (1 of 4 stars; one submission).

Submission:

Seattle Children's Hospital Molecular Genetics Laboratory, Seattle Children's Hospital
Classification: Pathogenic. Last evaluated: 2020-04-09. Review status: criteria provided, single submitter. Criteria: ACMG Guidelines, 2015. Collection method: clinical testing. Allele origin: germline. Affected: yes.
Comment: A complex heterozygous pathogenic variant in exon 4 of HNF1A was detected, described as a deletion of two nucleotides at position c.866 to c.867 (CC) of the coding sequence, and insertion of one nucleotide (T) at this position. This alteration results in a translation frameshift, described at the protein level as p.Pro289Leufs*53. The first amino acid change in this complex variant is at position 289 of the protein, in which a proline is replaced with a leucine, and there is a premature stop codon 53 amino acids downstream of this alteration. While this deletion-insertion event has not been reported in the medical literature or ClinVar database, other pathogenic frameshift variants in this region of HNF1A have been described in several patients with MODY (PMID: 11058894, 18003757, 25414397, 26479152).

NM_000545.8(HNF1A):c.866_867delinsT (p.Pro289fs)

Gene: HNF1A (HNF1 homeobox A; plus strand). Cytogenetic location: 12q24.31.
Variant type: Indel.
Coding change: c.866_867delinsT on transcript NM_000545.8 (MANE Select); coding-DNA positions 866 to 867, CC replaced by T.
Protein change: p.Pro289fs; shifts the reading frame from proline 289.
Molecular consequence: frameshift variant.
Genome position (GRCh38, 1-based): chr12:120,994,316-120,994,317, CC replaced by T. VCF-style: chr12-120994316-CC-T. GRCh37 (hg19) VCF-style: chr12-121432119-CC-T.
Other names: c.866_867delinsT, p.Pro289fs (NM_001306179.2); short protein forms P289fs.
Identifiers: ClinVar variation 1691371 (VCV001691371.2), dbSNP rs2135842256, ClinGen allele CA2573148027.